The following is an entry in ClinVar:

NM_000548.5(TSC2):c.3996C>A (p.Ala1332=)

Gene: TSC2 (TSC complex subunit 2; plus strand). Cytogenetic location: 16p13.3.
Variant type: single nucleotide variant.
Coding change: c.3996C>A on transcript NM_000548.5 (MANE Select); coding-DNA position 3996, C replaced by A.
Protein change: p.Ala1332=; no amino-acid change (alanine 1332 retained).
Molecular consequence: synonymous variant.
Genome position (GRCh38, 1-based): chr16:2,083,807, C>A. VCF-style: chr16-2083807-C-A. GRCh37 (hg19) VCF-style: chr16-2133808-C-A.
Other names: c.3795C>A, p.Ala1265= (NM_001077183.3); c.3927C>A, p.Ala1309= (NM_001114382.3); c.3687C>A, p.Ala1229= (NM_001318827.2); c.3651C>A, p.Ala1217= (NM_001318829.2); c.3264C>A, p.Ala1088= (NM_001318831.2); c.3828C>A, p.Ala1276= (NM_001318832.2); c.3798C>A, p.Ala1266= (NM_001363528.2); c.3864C>A, p.Ala1288= (NM_001370404.1); and 1 more.
Identifiers: ClinVar variation 535980 (VCV000535980.19), dbSNP rs1421997373, ClinGen allele CA492956877.

ClinVar aggregate classification (germline): Benign/Likely benign. Review status: criteria provided, multiple submitters, no conflicts (2 of 4 stars). 6 submissions from 6 submitters: Benign (2); Likely benign (4). Last evaluated 2025-11-05.

Conditions:
Hereditary cancer-predisposing syndrome. Also called: Neoplastic Syndromes, Hereditary; Tumor predisposition; Hereditary Cancer Syndrome; Hereditary neoplastic syndrome. Identifiers: Orphanet 140162, MedGen C0027672, MeSH D009386, MONDO:0015356.
Tuberous sclerosis 2 (TSC2). Identifiers: Orphanet 805, MedGen C1860707, MONDO:0013199, OMIM 613254.
Tuberous sclerosis syndrome (TSC). Also called: Tuberous Sclerosis Complex; Tuberous sclerosis. Identifiers: Orphanet 805, MedGen C0041341, MONDO:0001734.

Submissions (6):

Labcorp Genetics (formerly Invitae), Labcorp
Classification: Likely benign for Tuberous sclerosis 2. Last evaluated: 2025-11-05. Review status: criteria provided, single submitter. Criteria: Invitae Variant Classification Sherloc (09022015). Collection method: clinical testing. Allele origin: germline.

Myriad Genetics, Inc.
Classification: Benign for Tuberous sclerosis 2. Last evaluated: 2025-06-02. Review status: criteria provided, single submitter. Criteria: Myriad Autosomal Dominant, Autosomal Recessive and X-Linked Classification Criteria (2023). Collection method: clinical testing. Allele origin: unknown.
Comment: This variant is considered benign. This variant is a silent/synonymous amino acid change and it is not expected to impact splicing.

All of Us Research Program, National Institutes of Health
Classification: Likely benign for Tuberous sclerosis syndrome. Last evaluated: 2024-05-30. Review status: criteria provided, single submitter. Criteria: ACMG Guidelines, 2015. Collection method: clinical testing. Allele origin: germline. Inheritance: Autosomal dominant inheritance. Observed: 3 variant alleles, 3 heterozygotes.
Comment: This study involves interpretation of variants in research participants for the purpose of population health screening. Participant phenotype was not available at the time of variant classification. Additional details can be found in publication PMID: 35346344, PMCID: PMC8962531

Ambry Genetics
Classification: Likely benign for Hereditary cancer-predisposing syndrome. Last evaluated: 2024-01-29. Review status: criteria provided, single submitter. Criteria: Ambry Variant Classification Scheme 2023. Collection method: clinical testing. Allele origin: germline.

Genome-Nilou Lab
Classification: Benign for Tuberous sclerosis 2. Last evaluated: 2021-11-07. Review status: criteria provided, single submitter. Criteria: ACMG Guidelines, 2015. Collection method: clinical testing. Allele origin: germline. Affected: no.

GeneDx
Classification: Likely benign. Last evaluated: 2020-10-15. Review status: criteria provided, single submitter. Criteria: GeneDx Variant Classification Process June 2021. Collection method: clinical testing. Allele origin: germline. Affected: yes.